The following is an entry in ClinVar:

NM_001048166.1(STIL):c.1249-2A>G

Gene: STIL (STIL centriolar assembly protein; minus strand). Cytogenetic location: 1p33.
Variant type: single nucleotide variant.
Coding change: c.1249-2A>G on transcript NM_001048166.1 (MANE Select); the canonical splice acceptor site of the intron before coding-DNA position 1249, A replaced by G.
Molecular consequence: splice acceptor variant.
Genome position (GRCh38, 1-based): chr1:47,281,211, T>C on the plus strand (A>G on the coding strand, the complement: STIL is on the minus strand). VCF-style: chr1-47281211-T-C. GRCh37 (hg19) VCF-style: chr1-47746883-T-C.
Other names: c.1108-2A>G (NM_001377417.1, NM_001282939.1, NM_001282938.1); c.1249-2A>G (NM_003035.2, NM_001282937.1, NM_001282936.1).
Identifiers: ClinVar variation 3675677 (VCV003675677.2).

ClinVar aggregate classification (germline): Likely pathogenic (1 of 4 stars; one submission).

Submission:

Labcorp Genetics (formerly Invitae), Labcorp
Classification: Likely pathogenic. Last evaluated: 2024-12-02. Review status: criteria provided, single submitter. Criteria: Invitae Variant Classification Sherloc (09022015). Collection method: clinical testing. Allele origin: germline.
Comment: This sequence change affects an acceptor splice site in intron 11 of the STIL gene. It is expected to disrupt RNA splicing. Variants that disrupt the donor or acceptor splice site typically lead to a loss of protein function (PMID: 16199547), and loss-of-function variants in STIL are known to be pathogenic (PMID: 24986681, 33132204). This variant is not present in population databases (gnomAD no frequency). This variant has not been reported in the literature in individuals affected with STIL-related conditions. Algorithms developed to predict the effect of sequence changes on RNA splicing suggest that this variant may disrupt the consensus splice site. In summary, the currently available evidence indicates that the variant is pathogenic, but additional data are needed to prove that conclusively. Therefore, this variant has been classified as Likely Pathogenic.

Literature cited by the submitters: PubMed 16199547; PubMed 24986681; PubMed 33132204.